The following is an entry in ClinVar:

ClinVar aggregate classification (germline): Uncertain significance (1 of 4 stars; one submission).

Allele frequency attached by ClinVar (database versions not stated): gnomAD exomes below 0.00001; gnomAD 0.00001.

Submission:

Labcorp Genetics (formerly Invitae), Labcorp
Classification: Uncertain significance. Last evaluated: 2025-07-15. Review status: criteria provided, single submitter. Criteria: Invitae Variant Classification Sherloc (09022015). Collection method: clinical testing. Allele origin: germline.
Comment: This sequence change replaces glycine, which is neutral and non-polar, with valine, which is neutral and non-polar, at codon 637 of the SON protein (p.Gly637Val). This variant is present in population databases (no rsID available, gnomAD 0.002%). This variant has not been reported in the literature in individuals affected with SON-related conditions. ClinVar contains an entry for this variant (Variation ID: 1421011). An algorithm developed to predict the effect of missense changes on protein structure and function (PolyPhen-2) suggests that this variant is likely to be disruptive. In summary, the available evidence is currently insufficient to determine the role of this variant in disease. Therefore, it has been classified as a Variant of Uncertain Significance.

NM_138927.4(SON):c.1910G>T (p.Gly637Val)

Gene: SON (SON DNA and RNA binding protein; plus strand). Cytogenetic location: 21q22.11.
Variant type: single nucleotide variant.
Coding change: c.1910G>T on transcript NM_138927.4 (MANE Select); coding-DNA position 1910, G replaced by T.
Protein change: p.Gly637Val; replaces glycine 637 with valine.
Molecular consequence: missense variant. On other transcripts: non-coding transcript variant (1), intron variant (1).
Genome position (GRCh38, 1-based): chr21:33,551,141, G>T. VCF-style: chr21-33551141-G-T. GRCh37 (hg19) VCF-style: chr21-34923447-G-T.
Other names: c.1910G>T, p.Gly637Val (NM_001291411.2, NM_032195.3); c.244+4762G>T (NM_001291412.3); short protein forms G637V.
Identifiers: ClinVar variation 1421011 (VCV001421011.8), dbSNP rs1215658165, ClinGen allele CA410156474.